The following is an entry in ClinVar:

ClinVar aggregate classification (germline): Uncertain significance. Review status: criteria provided, multiple submitters, no conflicts (2 of 4 stars). 3 submissions from 3 submitters: Uncertain significance (3). Last evaluated 2024-05-14.

Conditions:
Nephronophthisis 7 (NPHP7). Identifiers: Orphanet 655, MedGen C1969092, MONDO:0012680, OMIM 611498.

Allele frequency attached by ClinVar (database versions not stated): ExAC below 0.00001; gnomAD 0.00003 and 0.00004; gnomAD exomes 0.00004 and 0.00014; TOPMed 0.00006.
gnomAD v4.1: 57 of 1,545,710 alleles (0.0037%); highest among the groups gnomAD compares: Admixed American, 0.045%; no homozygotes.

Submissions (3):

Ambry Genetics
Classification: Uncertain significance. Last evaluated: 2024-05-14. Review status: criteria provided, single submitter. Criteria: Ambry Variant Classification Scheme 2023. Collection method: clinical testing. Allele origin: germline.

Fulgent Genetics
Classification: Uncertain significance for Nephronophthisis 7. Last evaluated: 2021-11-01. Review status: criteria provided, single submitter. Criteria: ACMG Guidelines, 2015. Collection method: clinical testing. Allele origin: unknown.

Baylor Genetics
Classification: Uncertain significance for Nephronophthisis 7. Last evaluated: 2019-07-03. Review status: criteria provided, single submitter. Criteria: ACMG Guidelines, 2015. Collection method: clinical testing. Allele origin: unknown. Affected: yes.
Comment: This variant was determined to be of uncertain significance according to ACMG Guidelines, 2015 [PMID:25741868].

NM_032575.3(GLIS2):c.1244C>T (p.Pro415Leu)

Gene: GLIS2 (GLIS family zinc finger 2; plus strand). Cytogenetic location: 16p13.3.
Variant type: single nucleotide variant.
Coding change: c.1244C>T on transcript NM_032575.3 (MANE Select); coding-DNA position 1244, C replaced by T.
Protein change: p.Pro415Leu; replaces proline 415 with leucine.
Molecular consequence: missense variant.
Genome position (GRCh38, 1-based): chr16:4,337,193, C>T. VCF-style: chr16-4337193-C-T. GRCh37 (hg19) VCF-style: chr16-4387194-C-T.
Other names: c.1244C>T, p.Pro415Leu (NM_001318918.2); short protein forms P415L.
Identifiers: ClinVar variation 1028964 (VCV001028964.3), dbSNP rs751855769, ClinGen allele CA7873221.